The following is an entry in ClinVar:

ClinVar aggregate classification (germline): Likely benign (0 of 4 stars; one submission).

Conditions:
ADAMTSL4-related disorder. Also called: ADAMTSL4-Related Disorders; ADAMTSL4-related condition.

Allele frequency attached by ClinVar (database versions not stated): gnomAD exomes below 0.00001.
gnomAD v4.1: 1 of 1,541,156 alleles (0.000065%); highest among the groups gnomAD compares: Non-Finnish European, 0.000087%; no homozygotes.

Submission:

PreventionGenetics, part of Exact Sciences
Classification: Likely benign for ADAMTSL4-related condition. Last evaluated: 2019-02-22. Review status: no assertion criteria provided. Collection method: clinical testing. Allele origin: germline.
Comment: This variant is classified as likely benign based on ACMG/AMP sequence variant interpretation guidelines (Richards et al. 2015 PMID: 25741868, with internal and published modifications).

NM_019032.6(ADAMTSL4):c.1234+176T>A

Genes: ADAMTSL4 (ADAMTS like 4; plus strand), ADAMTSL4-AS2 (ADAMTSL4 antisense RNA 2; minus strand). Cytogenetic location: 1q21.2.
Variant type: single nucleotide variant.
Coding change: c.1234+176T>A on transcript NM_019032.6 (MANE Select); 176 bases into the intron after coding-DNA position 1234, T replaced by A.
Molecular consequence: intron variant. On other transcripts: non-coding transcript variant (2).
Genome position (GRCh38, 1-based): chr1:150,554,643, T>A. VCF-style: chr1-150554643-T-A. GRCh37 (hg19) VCF-style: chr1-150527119-T-A.
Other names: c.1303+9T>A (NM_001288608.2, NM_001288607.2); c.1234+176T>A (NM_001378596.1, NM_025008.5).
Identifiers: ClinVar variation 3058111 (VCV003058111.2), dbSNP rs1324203651, ClinGen allele CA420688910.